The following is an entry in ClinVar:

NM_001267550.2(TTN):c.66062_66063del (p.Ile22021fs)

Genes: TTN-AS1 (TTN antisense RNA 1; plus strand), TTN (titin; minus strand). Cytogenetic location: 2q31.2.
Variant type: Microsatellite.
Coding change: c.66062_66063del on transcript NM_001267550.2 (MANE Select); coding-DNA positions 66062 to 66063, 2 bases deleted (TA; older notation c.66062_66063delTA).
Protein change: p.Ile22021fs; shifts the reading frame from isoleucine 22021.
Molecular consequence: frameshift variant.
Genome position (GRCh38, 1-based): chr2:178,582,393-178,582,394, TA deleted on the plus strand (TA on the coding strand, the reverse complement: TTN is on the minus strand); deleting any 2 consecutive bases within chr2:178,582,393-178,582,396 gives the same sequence; the c. name uses the placement nearest the transcript's 3' end. VCF-style (leftmost placement, unchanged base first): chr2-178582392-CTA-C. GRCh37 (hg19) VCF-style: chr2-179447119-CTA-C.
Other names: c.61139_61140del, p.Ile20380fs (NM_001256850.1); c.38867_38868del, p.Ile12956fs (NM_003319.4); c.58358_58359del, p.Ile19453fs (NM_133378.4); c.39242_39243del, p.Ile13081fs (NM_133432.3); c.39443_39444del, p.Ile13148fs (NM_133437.4); short protein forms I12956fs, I13148fs, I22021fs, I19453fs, I20380fs, I13081fs.
Identifiers: ClinVar variation 2942997 (VCV002942997.3), dbSNP rs2469025567, ClinGen allele CA2740096055.

ClinVar aggregate classification (germline): Likely pathogenic (1 of 4 stars; one submission).

Conditions:
Dilated cardiomyopathy 1G (CMD1G). Identifiers: Orphanet 154, MedGen C1858763, MONDO:0011400, OMIM 604145.
Autosomal recessive limb-girdle muscular dystrophy type 2J (LGMDR10). Also called: MUSCULAR DYSTROPHY, LIMB-GIRDLE, AUTOSOMAL RECESSIVE 10; Limb-girdle muscular dystrophy, type 2J. Identifiers: Orphanet 140922, MedGen C1837342, MONDO:0012127, OMIM 608807.

Submission:

Labcorp Genetics (formerly Invitae), Labcorp
Classification: Likely pathogenic for Dilated cardiomyopathy 1G; Autosomal recessive limb-girdle muscular dystrophy type 2J. Last evaluated: 2023-12-10. Review status: criteria provided, single submitter. Criteria: Invitae Variant Classification Sherloc (09022015). Collection method: clinical testing. Allele origin: germline.
Comment: This sequence change creates a premature translational stop signal (p.Ile22021Argfs*4) in the TTN gene. While this is not anticipated to result in nonsense mediated decay, it is expected to create a truncated TTN protein. This variant is not present in population databases (gnomAD no frequency). This variant has not been reported in the literature in individuals affected with TTN-related conditions. This variant is located in the A band of TTN (PMID: 25589632). Truncating variants in this region are significantly overrepresented in patients affected with dilated cardiomyopathy (PMID: 25589632). Truncating variants in this region have also been reported in individuals affected with autosomal recessive centronuclear myopathy (PMID: 23975875). In summary, the currently available evidence indicates that the variant is pathogenic, but additional data are needed to prove that conclusively. Therefore, this variant has been classified as Likely Pathogenic.

Literature cited by the submitters: PubMed 25589632; PubMed 23975875.